The following is an entry in ClinVar:

NM_003906.5(MCM3AP):c.1613C>G (p.Ser538Cys)

Gene: MCM3AP (minichromosome maintenance complex component 3 associated protein; minus strand). Cytogenetic location: 21q22.3.
Variant type: single nucleotide variant.
Coding change: c.1613C>G on transcript NM_003906.5 (MANE Select); coding-DNA position 1613, C replaced by G.
Protein change: p.Ser538Cys; replaces serine 538 with cysteine.
Molecular consequence: missense variant.
Genome position (GRCh38, 1-based): chr21:46,280,047, G>C on the plus strand (C>G on the coding strand, the complement: MCM3AP is on the minus strand). VCF-style: chr21-46280047-G-C. GRCh37 (hg19) VCF-style: chr21-47699961-G-C.
Other names: short protein forms S538C.
Identifiers: ClinVar variation 2070399 (VCV002070399.1), dbSNP rs764926040, ClinGen allele CA10077037.

ClinVar aggregate classification (germline): Uncertain significance (1 of 4 stars; one submission).

Allele frequency attached by ClinVar (database versions not stated): gnomAD exomes below 0.00001; ExAC 0.00001; gnomAD 0.00001; TOPMed 0.00002.
gnomAD v4.1: 6 of 1,614,038 alleles (0.00037%); highest among the groups gnomAD compares: Admixed American, 0.0083%; no homozygotes.

Submission:

Labcorp Genetics (formerly Invitae), Labcorp
Classification: Uncertain significance. Last evaluated: 2022-04-21. Review status: criteria provided, single submitter. Criteria: Invitae Variant Classification Sherloc (09022015). Collection method: clinical testing. Allele origin: germline.
Comment: This sequence change replaces serine, which is neutral and polar, with cysteine, which is neutral and slightly polar, at codon 538 of the MCM3AP protein (p.Ser538Cys). This variant is present in population databases (rs764926040, gnomAD 0.009%). This variant has not been reported in the literature in individuals affected with MCM3AP-related conditions. Algorithms developed to predict the effect of missense changes on protein structure and function are either unavailable or do not agree on the potential impact of this missense change (SIFT: "Deleterious"; PolyPhen-2: "Possibly Damaging"; Align-GVGD: "Class C15"). In summary, the available evidence is currently insufficient to determine the role of this variant in disease. Therefore, it has been classified as a Variant of Uncertain Significance.